The following is an entry in ClinVar:

ClinVar aggregate classification (germline): Uncertain significance (1 of 4 stars; one submission).

Allele frequency attached by ClinVar (database versions not stated): gnomAD exomes below 0.00001.

Submission:

Labcorp Genetics (formerly Invitae), Labcorp
Classification: Uncertain significance. Last evaluated: 2022-06-15. Review status: criteria provided, single submitter. Criteria: Invitae Variant Classification Sherloc (09022015). Collection method: clinical testing. Allele origin: germline.
Comment: In summary, the available evidence is currently insufficient to determine the role of this variant in disease. Therefore, it has been classified as a Variant of Uncertain Significance. Algorithms developed to predict the effect of missense changes on protein structure and function are either unavailable or do not agree on the potential impact of this missense change (SIFT: "Deleterious"; PolyPhen-2: "Benign"; Align-GVGD: "Class C0"). This variant has not been reported in the literature in individuals affected with AEBP1-related conditions. This variant is present in population databases (no rsID available, gnomAD 0.003%). This sequence change replaces proline, which is neutral and non-polar, with alanine, which is neutral and non-polar, at codon 1007 of the AEBP1 protein (p.Pro1007Ala).

NM_001129.5(AEBP1):c.3019C>G (p.Pro1007Ala)

Gene: AEBP1 (AE binding protein 1; plus strand). Cytogenetic location: 7p13.
Variant type: single nucleotide variant.
Coding change: c.3019C>G on transcript NM_001129.5 (MANE Select); coding-DNA position 3019, C replaced by G.
Protein change: p.Pro1007Ala; replaces proline 1007 with alanine.
Molecular consequence: missense variant.
Genome position (GRCh38, 1-based): chr7:44,113,803, C>G. VCF-style: chr7-44113803-C-G. GRCh37 (hg19) VCF-style: chr7-44153402-C-G.
Other names: short protein forms P1007A.
Identifiers: ClinVar variation 1931428 (VCV001931428.3), dbSNP rs1369645983, ClinGen allele CA367373991.